The following is an entry in ClinVar:

NM_000340.2(SLC2A2):c.797ATG[2] (p.Asp268del)

Gene: SLC2A2 (solute carrier family 2 member 2; minus strand). Cytogenetic location: 3q26.2.
Variant type: Microsatellite.
Coding change: c.797ATG[2] on transcript NM_000340.2 (MANE Select); two copies in a row of the 3-base unit ATG starting at c.797; the reference has three copies in a row; one copy, 3 bases deleted; also written c.803_805del.
Protein change: p.Asp268del; deletes aspartic acid 268.
Molecular consequence: inframe deletion.
Genome position (GRCh38, 1-based): chr3:171,005,443-171,005,445, CAT deleted on the plus strand (ATG on the coding strand, the reverse complement: SLC2A2 is on the minus strand); deleting any 3 consecutive bases within chr3:171,005,443-171,005,451 gives the same sequence; the position shown is the placement nearest the transcript's 3' end. VCF-style (leftmost placement, unchanged base first): chr3-171005442-ACAT-A. GRCh37 (hg19) VCF-style: chr3-170723231-ACAT-A.
Other names: c.803_805del (NM_000340.1, NM_000340.2); c.440ATG[2], p.Asp149del (NM_001278658.2); c.278ATG[2], p.Asp95del (NM_001278659.2); short protein forms D268del, D149del, D95del.
Identifiers: ClinVar variation 344164 (VCV000344164.10), dbSNP rs774721090, ClinGen allele CA2702570.

ClinVar aggregate classification (germline): Uncertain significance. Review status: criteria provided, multiple submitters, no conflicts (2 of 4 stars). 2 submissions from 2 submitters: Uncertain significance (2). Last evaluated 2024-03-22.

Conditions:
Type 2 diabetes mellitus. Also called: Type II diabetes mellitus. Identifiers: MedGen C0011860, MeSH D003924, MONDO:0005148, OMIM 125853, HP:0005978.
Fanconi-Bickel syndrome (FBS). Also called: FANCONI SYNDROME WITH INTESTINAL MALABSORPTION AND GALACTOSE INTOLERANCE; HEPATIC GLYCOGENOSIS WITH AMINO ACIDURIA AND GLUCOSURIA; HEPATIC GLYCOGENOSIS WITH FANCONI NEPHROPATHY; HEPATORENAL GLYCOGENOSIS WITH RENAL FANCONI SYNDROME; Glycogen storage disease due to GLUT2 deficiency; PSEUDO-PHLORIZIN DIABETES. Identifiers: Orphanet 2088, MedGen C3495427, MONDO:0009216, OMIM 227810.

Submissions (2):

Fulgent Genetics
Classification: Uncertain significance for Type 2 diabetes mellitus; Fanconi-Bickel syndrome. Last evaluated: 2024-03-22. Review status: criteria provided, single submitter. Criteria: ACMG Guidelines, 2015. Collection method: clinical testing. Allele origin: germline.

Labcorp Genetics (formerly Invitae), Labcorp
Classification: Uncertain significance for Fanconi-Bickel syndrome. Last evaluated: 2022-10-07. Review status: criteria provided, single submitter. Criteria: Invitae Variant Classification Sherloc (09022015). Collection method: clinical testing. Allele origin: germline.
Comment: This variant, c.803_805del, results in the deletion of 1 amino acid(s) of the SLC2A2 protein (p.Asp268del), but otherwise preserves the integrity of the reading frame. This variant is present in population databases (rs774721090, gnomAD 0.01%). This variant has not been reported in the literature in individuals affected with SLC2A2-related conditions. ClinVar contains an entry for this variant (Variation ID: 344164). Experimental studies and prediction algorithms are not available or were not evaluated, and the functional significance of this variant is currently unknown. In summary, the available evidence is currently insufficient to determine the role of this variant in disease. Therefore, it has been classified as a Variant of Uncertain Significance.